The following is an entry in ClinVar:

ClinVar aggregate classification (germline): Uncertain significance (1 of 4 stars; one submission).

Submission:

Ambry Genetics
Classification: Uncertain significance. Last evaluated: 2025-07-18. Review status: criteria provided, single submitter. Criteria: Ambry Variant Classification Scheme 2023. Collection method: clinical testing. Allele origin: germline.
Comment: The p.A8V variant (also known as c.23C>T), located in coding exon 1 of the FAM175A gene, results from a C to T substitution at nucleotide position 23. The alanine at codon 8 is replaced by valine, an amino acid with similar properties. This amino acid position is conserved. In addition, this alteration is predicted to be tolerated by in silico analysis. Based on the available evidence, the clinical significance of this variant remains unclear.

NM_139076.3(ABRAXAS1):c.23C>T (p.Ala8Val)

Genes: ABRAXAS1 (abraxas 1, BRCA1 A complex subunit; minus strand), LOC129992784 (ATAC-STARR-seq lymphoblastoid silent region 15542; plus strand). Cytogenetic location: 4q21.23.
Variant type: single nucleotide variant.
Coding change: c.23C>T on transcript NM_139076.3 (MANE Select); coding-DNA position 23, C replaced by T.
Protein change: p.Ala8Val; replaces alanine 8 with valine.
Molecular consequence: missense variant. On other transcripts: 5 prime UTR variant (1).
Genome position (GRCh38, 1-based): chr4:83,485,050, G>A on the plus strand (C>T on the coding strand, the complement: ABRAXAS1 is on the minus strand). VCF-style: chr4-83485050-G-A. GRCh37 (hg19) VCF-style: chr4-84406203-G-A.
Other names: c.-238C>T (NM_001345962.2); short protein forms A8V.
Identifiers: ClinVar variation 4183291 (VCV004183291.1).